The following is an entry in ClinVar:

ClinVar aggregate classification (germline): Uncertain significance (1 of 4 stars; one submission).

gnomAD v4.1: 1 of 1,613,780 alleles (0.000062%); highest among the groups gnomAD compares: Non-Finnish European, 0.000085%; no homozygotes.

Submission:

Ambry Genetics
Classification: Uncertain significance. Last evaluated: 2025-06-22. Review status: criteria provided, single submitter. Criteria: Ambry Variant Classification Scheme 2023. Collection method: clinical testing. Allele origin: germline.
Comment: The p.Q30R variant (also known as c.89A>G), located in coding exon 1 of the MYOM1 gene, results from an A to G substitution at nucleotide position 89. The glutamine at codon 30 is replaced by arginine, an amino acid with highly similar properties. This amino acid position is conserved. In addition, this alteration is predicted to be tolerated by in silico analysis. Based on the available evidence, the clinical significance of this variant remains unclear.

NM_003803.4(MYOM1):c.89A>G (p.Gln30Arg)

Gene: MYOM1 (myomesin 1; minus strand). Cytogenetic location: 18p11.31.
Variant type: single nucleotide variant.
Coding change: c.89A>G on transcript NM_003803.4 (MANE Select); coding-DNA position 89, A replaced by G.
Protein change: p.Gln30Arg; replaces glutamine 30 with arginine.
Molecular consequence: missense variant.
Genome position (GRCh38, 1-based): chr18:3,215,135, T>C on the plus strand (A>G on the coding strand, the complement: MYOM1 is on the minus strand). VCF-style: chr18-3215135-T-C. GRCh37 (hg19) VCF-style: chr18-3215133-T-C.
Other names: c.89A>G, p.Gln30Arg (NM_019856.2); short protein forms Q30R.
Identifiers: ClinVar variation 4115967 (VCV004115967.1).